The following is an entry in ClinVar:

ClinVar aggregate classification (germline): Pathogenic (1 of 4 stars; one submission).

Conditions:
Neurofibromatosis, type 1 (NF1). Also called: VON RECKLINGHAUSEN DISEASE; Peripheral type neurofibromatosis; NEUROFIBROMATOSIS, TYPE I, SOMATIC; Neurofibromatosis, type I. Identifiers: Orphanet 636, MedGen C0027831, MONDO:0018975, OMIM 162200. Disease mechanism: loss of function.

Submission:

Labcorp Genetics (formerly Invitae), Labcorp
Classification: Pathogenic for Neurofibromatosis, type 1. Last evaluated: 2022-04-11. Review status: criteria provided, single submitter. Criteria: Invitae Variant Classification Sherloc (09022015). Collection method: clinical testing. Allele origin: germline.
Comment: This sequence change affects an acceptor splice site in intron 20 of the NF1 gene. It is expected to disrupt RNA splicing. Variants that disrupt the donor or acceptor splice site typically lead to a loss of protein function (PMID: 16199547), and loss-of-function variants in NF1 are known to be pathogenic (PMID: 10712197, 23913538). For these reasons, this variant has been classified as Pathogenic. Algorithms developed to predict the effect of sequence changes on RNA splicing suggest that this variant may disrupt the consensus splice site. ClinVar contains an entry for this variant (Variation ID: 1072206). Disruption of this splice site has been observed in individual(s) with neurofibromatosis type 1 (Invitae). This variant is not present in population databases (gnomAD no frequency).

Literature cited by the submitters: PubMed 16199547; PubMed 10712197; PubMed 23913538.

NM_001042492.3(NF1):c.2410-2A>C

Gene: NF1 (neurofibromin 1; plus strand). Cytogenetic location: 17q11.2.
Variant type: single nucleotide variant.
Coding change: c.2410-2A>C on transcript NM_001042492.3 (MANE Select); the canonical splice acceptor site of the intron before coding-DNA position 2410, A replaced by C.
Molecular consequence: splice acceptor variant.
Genome position (GRCh38, 1-based): chr17:31,229,023, A>C. VCF-style: chr17-31229023-A-C. GRCh37 (hg19) VCF-style: chr17-29556041-A-C.
Other names: c.2410-2A>C (NM_000267.4).
Identifiers: ClinVar variation 1072206 (VCV001072206.5), dbSNP rs2151428764, ClinGen allele CA398983792.
Genomic context (GRCh38, chr17:31,229,023, plus strand): 5'-ATTTGTCAAGTCTCAACTAATTAAGGTTTAATTCATGCTTTGCACAAAAATTTTGTGTTT[A>C]GGCTGCTGAAAGCCTTCACAAGACCATTGTTAAGAGGCGAATGTCCCATGTGAGTGGAGG-3'